The following is an entry in ClinVar:

NM_000368.5(TSC1):c.141T>G (p.Asp47Glu)

Gene: TSC1 (TSC complex subunit 1; minus strand). Cytogenetic location: 9q34.13.
Variant type: single nucleotide variant.
Coding change: c.141T>G on transcript NM_000368.5 (MANE Select); coding-DNA position 141, T replaced by G.
Protein change: p.Asp47Glu; replaces aspartic acid 47 with glutamic acid.
Molecular consequence: missense variant. On other transcripts: intron variant (1).
Genome position (GRCh38, 1-based): chr9:132,927,270, A>C on the plus strand (T>G on the coding strand, the complement: TSC1 is on the minus strand). VCF-style: chr9-132927270-A-C. GRCh37 (hg19) VCF-style: chr9-135802657-A-C.
Other names: c.141T>G, p.Asp47Glu (NM_001162426.2, NM_001162427.2, NM_001406592.1 and 21 more transcripts); c.-348T>G (NM_001406615.1, NM_001406623.1); c.-315T>G (NM_001406616.1, NM_001406624.1); c.-737T>G (NM_001406626.1, NM_001406627.1, NM_001406628.1); c.-879T>G (NM_001406629.1); c.-953T>G (NM_001406630.1); c.-154+1497T>G (NM_001362177.2); short protein forms D47E.
Identifiers: ClinVar variation 2000012 (VCV002000012.4), dbSNP rs2132269121, ClinGen allele CA375375169.
Genomic context (GRCh38, chr9:132,927,270, plus strand): 5'-TGGCTCTTGCAAGGTGGTCAGGATGTGCAATGCCGGCTGAGAGCTGGTTTCCAGGTAATA[A>C]TCCACCAAGGTGTTTACAAGCATAGGGCCACGGTCTAAATCAAGAAAAGGGCAATGGATG-3'
Protein context (NP_000359.1, residues 37-57): RGPMLVNTLV[Asp47Glu]YYLETSSQPA

ClinVar aggregate classification (germline): Uncertain significance (1 of 4 stars; one submission).

Conditions:
Tuberous sclerosis 1 (TSC1). Identifiers: Orphanet 805, MedGen C1854465, MONDO:0008612, OMIM 191100.

Submission:

Labcorp Genetics (formerly Invitae), Labcorp
Classification: Uncertain significance for Tuberous sclerosis 1. Last evaluated: 2022-05-28. Review status: criteria provided, single submitter. Criteria: Invitae Variant Classification Sherloc (09022015). Collection method: clinical testing. Allele origin: germline.
Comment: This sequence change replaces aspartic acid, which is acidic and polar, with glutamic acid, which is acidic and polar, at codon 47 of the TSC1 protein (p.Asp47Glu). This variant is not present in population databases (gnomAD no frequency). This variant has not been reported in the literature in individuals affected with TSC1-related conditions. Algorithms developed to predict the effect of missense changes on protein structure and function are either unavailable or do not agree on the potential impact of this missense change (SIFT: "Tolerated"; PolyPhen-2: "Probably Damaging"; Align-GVGD: "Class C0"). In summary, the available evidence is currently insufficient to determine the role of this variant in disease. Therefore, it has been classified as a Variant of Uncertain Significance.